The following is an entry in ClinVar:

ClinVar aggregate classification (germline): Uncertain significance. Review status: criteria provided, multiple submitters, no conflicts (2 of 4 stars). 5 submissions from 5 submitters: Uncertain significance (5). Last evaluated 2026-07-28.

Conditions:
SI-related disorder. Also called: SI-related condition.
Sucrase-isomaltase deficiency (CSID). Also called: Deficiency of isomaltase; SI DEFICIENCY; Congenital sucrose isomaltose malabsorption; Sucrose isomaltose enzyme deficiency. Identifiers: Orphanet 35122, MedGen C1283620, MONDO:0009114, OMIM 222900.

Allele frequency attached by ClinVar (database versions not stated): TOPMed 0.00020; gnomAD 0.00027 and 0.00028; 1000 Genomes Project 30x 0.00016; gnomAD exomes 0.00016 and 0.00031; ExAC 0.00017; 1000 Genomes Project 0.00020.
gnomAD v4.1: 495 of 1,612,208 alleles (0.031%); highest among the groups gnomAD compares: Non-Finnish European, 0.038%; no homozygotes.

Submissions (5):

PreventionGenetics, part of Exact Sciences
Classification: Uncertain significance for SI-related condition. Last evaluated: 2026-07-28. Review status: criteria provided, single submitter. Criteria: ACMG Guidelines, 2015. Collection method: clinical testing. Allele origin: germline.
Comment: The SI c.1919A>G variant is predicted to result in the amino acid substitution p.Glu640Gly. This variant was reported in two individuals with Irritable bowel syndrome (Garcia-Etxebarria et al. 2018. PubMed ID: 29408290); however additional genetic information (e.g. zygosity) was not provided. This variant is reported in 0.033% of alleles in individuals of European (Non-Finnish) descent in gnomAD. At this time, the clinical significance of this variant is uncertain due to the absence of conclusive functional and genetic evidence.

Blueprint Genetics
Classification: Uncertain significance. Last evaluated: 2024-11-26. Review status: criteria provided, single submitter. Criteria: ACMG Guidelines, 2015. Collection method: clinical testing. Allele origin: germline.

Fulgent Genetics
Classification: Uncertain significance for Sucrase-isomaltase deficiency. Last evaluated: 2024-01-23. Review status: criteria provided, single submitter. Criteria: ACMG Guidelines, 2015. Collection method: clinical testing. Allele origin: germline.

Labcorp Genetics (formerly Invitae), Labcorp
Classification: Uncertain significance. Last evaluated: 2024-01-08. Review status: criteria provided, single submitter. Criteria: Invitae Variant Classification Sherloc (09022015). Collection method: clinical testing. Allele origin: germline.
Comment: This sequence change replaces glutamic acid, which is acidic and polar, with glycine, which is neutral and non-polar, at codon 640 of the SI protein (p.Glu640Gly). This variant is present in population databases (rs142789249, gnomAD 0.03%). This missense change has been observed in individual(s) with irritable bowel syndrome (PMID: 29408290). ClinVar contains an entry for this variant (Variation ID: 976595). Advanced modeling of protein sequence and biophysical properties (such as structural, functional, and spatial information, amino acid conservation, physicochemical variation, residue mobility, and thermodynamic stability) has been performed at Invitae for this missense variant, however the output from this modeling did not meet the statistical confidence thresholds required to predict the impact of this variant on SI protein function. In summary, the available evidence is currently insufficient to determine the role of this variant in disease. Therefore, it has been classified as a Variant of Uncertain Significance.

Illumina Laboratory Services, Illumina
Classification: Uncertain significance for Sucrase-isomaltase deficiency. Last evaluated: 2018-01-12. Review status: criteria provided, single submitter. Criteria: ICSL Variant Classification Criteria 13 December 2019. Collection method: clinical testing. Allele origin: germline.

Literature cited by the submitters: PubMed 29408290 (cited by Labcorp Genetics (formerly Invitae), Labcorp).

NM_001041.4(SI):c.1919A>G (p.Glu640Gly)

Gene: SI (sucrase-isomaltase; minus strand). Cytogenetic location: 3q26.1.
Variant type: single nucleotide variant.
Coding change: c.1919A>G on transcript NM_001041.4 (MANE Select); coding-DNA position 1919, A replaced by G.
Protein change: p.Glu640Gly; replaces glutamic acid 640 with glycine.
Molecular consequence: missense variant.
Genome position (GRCh38, 1-based): chr3:165,043,144, T>C on the plus strand (A>G on the coding strand, the complement: SI is on the minus strand). VCF-style: chr3-165043144-T-C. GRCh37 (hg19) VCF-style: chr3-164760932-T-C.
Other names: short protein forms E640G.
Identifiers: ClinVar variation 976595 (VCV000976595.13), dbSNP rs142789249, ClinGen allele CA2690903.
Genomic context (GRCh38, chr3:165,043,144, plus strand): 5'-CTGGAAAATGGATAAAATGCCCCAAGTTGCATCCATCTTCTGCAAAGTTCTTCTGTGGTT[T>C]CAGCCACAAATCCACAGATGTCTGCTCCAACCTAAATAACAAATATATTTACTATTTATA-3'
Protein context (NP_001032.2, residues 630-650): VGADICGFVA[Glu640Gly]TTEELCRRWM